The following is an entry in ClinVar:

NM_006904.7(PRKDC):c.3354G>C (p.Glu1118Asp)

Gene: PRKDC (protein kinase, DNA-activated, catalytic subunit; minus strand). Cytogenetic location: 8q11.21.
Variant type: single nucleotide variant.
Coding change: c.3354G>C on transcript NM_006904.7 (MANE Select); coding-DNA position 3354, G replaced by C.
Protein change: p.Glu1118Asp; replaces glutamic acid 1118 with aspartic acid.
Molecular consequence: missense variant.
Genome position (GRCh38, 1-based): chr8:47,900,383, C>G on the plus strand (G>C on the coding strand, the complement: PRKDC is on the minus strand). VCF-style: chr8-47900383-C-G. GRCh37 (hg19) VCF-style: chr8-48812943-C-G.
Other names: c.3354G>C, p.Glu1118Asp (NM_001081640.2); short protein forms E1118D.
Identifiers: ClinVar variation 3425238 (VCV003425238.1).

ClinVar aggregate classification (germline): Uncertain significance (1 of 4 stars; one submission).

Submission:

Ambry Genetics
Classification: Uncertain significance. Last evaluated: 2024-07-13. Review status: criteria provided, single submitter. Criteria: Ambry Variant Classification Scheme 2023. Collection method: clinical testing. Allele origin: germline.
Comment: The p.E1118D variant (also known as c.3354G>C), located in coding exon 28 of the PRKDC gene, results from a G to C substitution at nucleotide position 3354. The glutamic acid at codon 1118 is replaced by aspartic acid, an amino acid with highly similar properties. This amino acid position is conserved. In addition, this alteration is predicted to be tolerated by in silico analysis. Based on the available evidence, the clinical significance of this variant remains unclear.